The following is an entry in ClinVar:

ClinVar aggregate classification (germline): Uncertain significance (1 of 4 stars; one submission).

Submission:

Women's Health and Genetics/Laboratory Corporation of America, LabCorp
Classification: Uncertain significance. Last evaluated: 2024-04-09. Review status: criteria provided, single submitter. Criteria: LabCorp Variant Classification Summary - May 2015. Collection method: clinical testing. Allele origin: germline.
Comment: Variant summary: KCNT1 c.3177G>A (p.Gln1059Gln) alters a conserved nucleotide located close to a canonical splice site and therefore could affect mRNA splicing, leading to a significantly altered protein sequence. Several computational tools predict a significant impact on normal splicing: Three predict the variant weakens a canonical 5' donor site. However, these predictions have yet to be confirmed by functional studies. The variant was absent in 249680 control chromosomes (gnomAD). The available data on variant occurrences in the general population are insufficient to allow any conclusion about variant significance. To our knowledge, no occurrence of c.3177G>A in individuals affected with Developmental And Epileptic Encephalopathy, 14 and no experimental evidence demonstrating its impact on protein function have been reported. No submitters have cited clinical-significance assessments for this variant to ClinVar. Based on the evidence outlined above, the variant was classified as uncertain significance.

NM_020822.3(KCNT1):c.3177G>A (p.Gln1059=)

Gene: KCNT1 (potassium sodium-activated channel subfamily T member 1; plus strand). Cytogenetic location: 9q34.3.
Variant type: single nucleotide variant.
Coding change: c.3177G>A on transcript NM_020822.3 (MANE Select); coding-DNA position 3177, G replaced by A.
Protein change: p.Gln1059=; no amino-acid change (glutamine 1059 retained).
Molecular consequence: synonymous variant.
Genome position (GRCh38, 1-based): chr9:135,785,330, G>A. VCF-style: chr9-135785330-G-A. GRCh37 (hg19) VCF-style: chr9-138677176-G-A.
Other names: c.3042G>A, p.Gln1014= (NM_001272003.2).
Identifiers: ClinVar variation 3251417 (VCV003251417.1), dbSNP rs1186079298.
Genomic context (GRCh38, chr9:135,785,330, plus strand): 5'-TGCGCCCACAGGTCCCAGACTGCGCCTGTTTCCTTTGCAGCCCCACGACCTCAGAGCCCA[G>A]GTAAGCAACCCCTCCGTGCCCACGCAGCTTCTGCGGAGCACCAGAACATCGCAGCTTCAC-3'
Protein context (NP_065873.2, residues 1049-1069): STSEPHDLRA[Gln1059=]SQISVNVEDC